The following is an entry in ClinVar:

ClinVar aggregate classification (germline): Uncertain significance (1 of 4 stars; one submission).

Conditions:
Cardiovascular phenotype. Identifiers: MedGen CN230736.

gnomAD v4.1: 2 of 1,614,094 alleles (0.00012%); highest among the groups gnomAD compares: African/African-American, 0.0027%; no homozygotes.

Submission:

Ambry Genetics
Classification: Uncertain significance for Cardiovascular phenotype. Last evaluated: 2026-04-28. Review status: criteria provided, single submitter. Criteria: Ambry Variant Classification Scheme 2023. Collection method: clinical testing. Allele origin: germline.
Comment: The p.C323Y variant (also known as c.968G>A), located in coding exon 7 of the TBX5 gene, results from a G to A substitution at nucleotide position 968. The cysteine at codon 323 is replaced by tyrosine, an amino acid with highly dissimilar properties. This amino acid position is highly conserved in available vertebrate species. In addition, this alteration is predicted to be deleterious by in silico analysis. Based on the available evidence, the clinical significance of this variant remains unclear.

NM_181486.4(TBX5):c.968G>A (p.Cys323Tyr)

Gene: TBX5 (T-box transcription factor 5; minus strand). Cytogenetic location: 12q24.21.
Variant type: single nucleotide variant.
Coding change: c.968G>A on transcript NM_181486.4 (MANE Select); coding-DNA position 968, G replaced by A.
Protein change: p.Cys323Tyr; replaces cysteine 323 with tyrosine.
Molecular consequence: missense variant.
Genome position (GRCh38, 1-based): chr12:114,366,179, C>T on the plus strand (G>A on the coding strand, the complement: TBX5 is on the minus strand). VCF-style: chr12-114366179-C-T. GRCh37 (hg19) VCF-style: chr12-114803984-C-T.
Other names: c.968G>A, p.Cys323Tyr (NM_000192.3); c.818G>A, p.Cys273Tyr (NM_080717.4); short protein forms C273Y, C323Y.
Identifiers: ClinVar variation 4865357 (VCV004865357.1).